The following is an entry in ClinVar:

ClinVar aggregate classification (germline): Uncertain significance. Review status: criteria provided, multiple submitters, no conflicts (2 of 4 stars). 3 submissions from 3 submitters: Uncertain significance (3). Last evaluated 2025-08-13.

Allele frequency attached by ClinVar (database versions not stated): gnomAD exomes 0.00001 and 0.00003; gnomAD 0.00003 and 0.00004; TOPMed 0.00004.
gnomAD v4.1: 44 of 1,611,786 alleles (0.0027%); highest among the groups gnomAD compares: Non-Finnish European, 0.0036%; no homozygotes.

Submissions (3):

Ambry Genetics
Classification: Uncertain significance. Last evaluated: 2025-08-13. Review status: criteria provided, single submitter. Criteria: Ambry Variant Classification Scheme 2023. Collection method: clinical testing. Allele origin: germline.

Labcorp Genetics (formerly Invitae), Labcorp
Classification: Uncertain significance. Last evaluated: 2024-02-23. Review status: criteria provided, single submitter. Criteria: Invitae Variant Classification Sherloc (09022015). Collection method: clinical testing. Allele origin: germline.
Comment: This sequence change replaces proline, which is neutral and non-polar, with leucine, which is neutral and non-polar, at codon 763 of the ZNF341 protein (p.Pro763Leu). This variant is present in population databases (no rsID available, gnomAD 0.002%). This variant has not been reported in the literature in individuals affected with ZNF341-related conditions. ClinVar contains an entry for this variant (Variation ID: 1398501). An algorithm developed to predict the effect of missense changes on protein structure and function (PolyPhen-2) suggests that this variant is likely to be tolerated. In summary, the available evidence is currently insufficient to determine the role of this variant in disease. Therefore, it has been classified as a Variant of Uncertain Significance.

Blueprint Genetics
Classification: Uncertain significance. Last evaluated: 2020-11-17. Review status: criteria provided, single submitter. Criteria: ACMG Guidelines, 2015. Collection method: clinical testing. Allele origin: germline.

NM_001282933.2(ZNF341):c.2309C>T (p.Pro770Leu)

Genes: ZNF341 (zinc finger protein 341; plus strand), ZNF341-AS1 (ZNF341 antisense RNA 1; minus strand). Cytogenetic location: 20q11.22.
Variant type: single nucleotide variant.
Coding change: c.2309C>T on transcript NM_001282933.2 (MANE Select); coding-DNA position 2309, C replaced by T.
Protein change: p.Pro770Leu; replaces proline 770 with leucine.
Molecular consequence: missense variant. On other transcripts: non-coding transcript variant (1).
Genome position (GRCh38, 1-based): chr20:33,791,261, C>T. VCF-style: chr20-33791261-C-T. GRCh37 (hg19) VCF-style: chr20-32379067-C-T.
Other names: c.2039C>T, p.Pro680Leu (NM_001282935.2); c.2288C>T, p.Pro763Leu (NM_032819.5); c.2288C>T (NM_032819.3); short protein forms P680L, P763L, P770L.
Identifiers: ClinVar variation 1398501 (VCV001398501.7), dbSNP rs1234074497, ClinGen allele CA408642298.